The following is an entry in ClinVar:

NM_001048174.2(MUTYH):c.1005C>G (p.Ser335Arg)

Gene: MUTYH (mutY DNA glycosylase; minus strand). Cytogenetic location: 1p34.1.
Variant type: single nucleotide variant.
Coding change: c.1005C>G on transcript NM_001048174.2 (MANE Select); coding-DNA position 1005, C replaced by G.
Protein change: p.Ser335Arg; replaces serine 335 with arginine.
Molecular consequence: missense variant. On other transcripts: non-coding transcript variant (7).
Genome position (GRCh38, 1-based): chr1:45,331,758, G>C on the plus strand (C>G on the coding strand, the complement: MUTYH is on the minus strand). VCF-style: chr1-45331758-G-C. GRCh37 (hg19) VCF-style: chr1-45797430-G-C.
Other names: c.1038C>G, p.Ser346Arg (NM_001293191.2, NM_001407069.1, NM_001407077.1); c.729C>G, p.Ser243Arg (NM_001293192.2, NM_001293196.2, NM_001407091.1); c.1005C>G, p.Ser335Arg (NM_001293195.2, NM_001407070.1, NM_001407088.1 and 6 more transcripts); c.660C>G, p.Ser220Arg (NM_001350650.2, NM_001350651.2, NM_001407082.1); c.1008C>G, p.Ser336Arg (NM_001407071.1, NM_001407086.1, NM_001407078.1 and 1 more transcripts); c.1047C>G, p.Ser349Arg (NM_001407083.1, NM_001407085.1); c.1026C>G, p.Ser342Arg (NM_001407087.1); c.1080C>G, p.Ser360Arg (NM_012222.3); and 5 more; short protein forms S220R, S346R, S349R, S363R, S322R, S307R, S321R, S335R.
Identifiers: ClinVar variation 4113004 (VCV004113004.1).

ClinVar aggregate classification (germline): Uncertain significance (1 of 4 stars; one submission).

Conditions:
Hereditary cancer-predisposing syndrome. Also called: Tumor predisposition; Neoplastic Syndromes, Hereditary; Hereditary neoplastic syndrome; Hereditary Cancer Syndrome. Identifiers: Orphanet 140162, MedGen C0027672, MeSH D009386, MONDO:0015356.

Submission:

Ambry Genetics
Classification: Uncertain significance for Hereditary cancer-predisposing syndrome. Last evaluated: 2025-08-27. Review status: criteria provided, single submitter. Criteria: Ambry Variant Classification Scheme 2023. Collection method: clinical testing. Allele origin: germline.
Comment: The p.S363R variant (also known as c.1089C>G), located in coding exon 12 of the MUTYH gene, results from a C to G substitution at nucleotide position 1089. The serine at codon 363 is replaced by arginine, an amino acid with dissimilar properties. This amino acid position is conserved. In addition, this alteration is predicted to be tolerated by in silico analysis. Based on the available evidence, the clinical significance of this variant remains unclear.